The following is an entry in ClinVar:

NM_001177316.2(SLC34A3):c.925+38A>C

Gene: SLC34A3 (solute carrier family 34 member 3; plus strand). Cytogenetic location: 9q34.3.
Variant type: single nucleotide variant.
Coding change: c.925+38A>C on transcript NM_001177316.2 (MANE Select); 38 bases into the intron after coding-DNA position 925, A replaced by C.
Molecular consequence: intron variant.
Genome position (GRCh38, 1-based): chr9:137,233,979, A>C. VCF-style: chr9-137233979-A-C. GRCh37 (hg19) VCF-style: chr9-140128431-A-C.
Other names: c.925+38A>C (NM_080877.2, NM_001177317.2, NM_080877.3).
Identifiers: ClinVar variation 1635712 (VCV001635712.10), dbSNP rs778568573, ClinGen allele CA5364665.

ClinVar aggregate classification (germline): Likely benign. Review status: criteria provided, single submitter (1 of 4 stars). 2 submissions from 2 submitters: Likely benign (1). 1 of the submissions does not count toward it. Last evaluated 2026-01-09.

Conditions:
SLC34A3-related disorder. Also called: SLC34A3-related condition.

Allele frequency attached by ClinVar (database versions not stated): ExAC 0.00074.

Submissions (2):

Labcorp Genetics (formerly Invitae), Labcorp
Classification: Likely benign. Last evaluated: 2026-01-09. Review status: criteria provided, single submitter. Criteria: Invitae Variant Classification Sherloc (09022015). Collection method: clinical testing. Allele origin: germline.

PreventionGenetics, part of Exact Sciences
Classification: Likely benign for SLC34A3-related condition. Last evaluated: 2020-11-30. Review status: no assertion criteria provided. Collection method: clinical testing. Allele origin: germline. Not counted in ClinVar's aggregate classification.
Comment: This variant is classified as likely benign based on ACMG/AMP sequence variant interpretation guidelines (Richards et al. 2015 PMID: 25741868, with internal and published modifications).